The following is an entry in ClinVar:

ClinVar aggregate classification (germline): Uncertain significance. Review status: criteria provided, multiple submitters, no conflicts (2 of 4 stars). 3 submissions from 3 submitters: Uncertain significance (2). 1 of the submissions does not count toward it. Last evaluated 2023-12-19.

Conditions:
Inborn genetic diseases. Identifiers: MedGen C0950123, MeSH D030342.
DAAM2-related disorder. Also called: DAAM2-related condition.

Allele frequency attached by ClinVar (database versions not stated): 1000 Genomes Project 0.00060; 1000 Genomes Project 30x 0.00062; ExAC 0.00074; ESP Exome Variant Server 0.00096; gnomAD 0.00101; TOPMed 0.00105; gnomAD exomes 0.00117.
gnomAD v4.1: 1,834 of 1,613,486 alleles (0.11%); highest among the groups gnomAD compares: Non-Finnish European, 0.13%; 2 homozygotes.

Submissions (3):

Ambry Genetics
Classification: Uncertain significance for Inborn genetic diseases. Last evaluated: 2023-12-19. Review status: criteria provided, single submitter. Criteria: Ambry Variant Classification Scheme 2023. Collection method: clinical testing. Allele origin: germline.

GeneDx
Classification: Uncertain significance. Last evaluated: 2022-04-06. Review status: criteria provided, single submitter. Criteria: GeneDx Variant Classification Process June 2021. Collection method: clinical testing. Allele origin: germline. Affected: yes.
Comment: In silico analysis supports that this missense variant does not alter protein structure/function; Has not been previously published as pathogenic or benign to our knowledge; Variants in candidate genes are classified as variants of uncertain significance in accordance with ACMG guidelines (Richards et al., 2015)

PreventionGenetics, part of Exact Sciences
Classification: Likely benign for DAAM2-related condition. Last evaluated: 2022-05-13. Review status: no assertion criteria provided. Collection method: clinical testing. Allele origin: germline. Not counted in ClinVar's aggregate classification.
Comment: This variant is classified as likely benign based on ACMG/AMP sequence variant interpretation guidelines (Richards et al. 2015 PMID: 25741868, with internal and published modifications).

NM_001201427.2(DAAM2):c.2095A>G (p.Ile699Val)

Genes: DAAM2 (dishevelled associated activator of morphogenesis 2; plus strand), LOC126859670 (CDK7 strongly-dependent group 2 enhancer GRCh37_chr6:39855425-39856624; plus strand). Cytogenetic location: 6p21.2.
Variant type: single nucleotide variant.
Coding change: c.2095A>G on transcript NM_001201427.2 (MANE Select); coding-DNA position 2095, A replaced by G.
Protein change: p.Ile699Val; replaces isoleucine 699 with valine.
Molecular consequence: missense variant.
Genome position (GRCh38, 1-based): chr6:39,888,713, A>G. VCF-style: chr6-39888713-A-G. GRCh37 (hg19) VCF-style: chr6-39856489-A-G.
Other names: c.2095A>G, p.Ile699Val (NM_015345.4); c.2095A>G (NM_015345.3); short protein forms I699V.
Identifiers: ClinVar variation 3046022 (VCV003046022.4), dbSNP rs61757199, ClinGen allele CA3795172.